The following is an entry in ClinVar:

NM_002615.7(SERPINF1):c.172_236del (p.Val58fs)

Genes: SERPINF1 (serpin family F member 1; plus strand), LOC130059891 (ATAC-STARR-seq lymphoblastoid active region 11456; plus strand), LOC130059892 (ATAC-STARR-seq lymphoblastoid active region 11457; plus strand). Cytogenetic location: 17p13.3.
Variant type: Deletion.
Coding change: c.172_236del on transcript NM_002615.7 (MANE Select); coding-DNA positions 172 to 236, 65 bases deleted.
Protein change: p.Val58fs; shifts the reading frame from valine 58.
Molecular consequence: frameshift variant. On other transcripts: 5 prime UTR variant (1).
Genome position (GRCh38, 1-based): chr17:1,769,939-1,770,003, 65 bases deleted. GRCh37 (hg19): chr17:1,673,233-1,673,297.
Other names: c.172_236del, p.Val58fs (NM_001329903.2); c.-390_-326del (NM_001329904.2); short protein forms V58fs.
Identifiers: ClinVar variation 2971055 (VCV002971055.3), dbSNP rs2543476674, ClinGen allele CA8274559.

ClinVar aggregate classification (germline): Pathogenic (1 of 4 stars; one submission).

Submission:

Labcorp Genetics (formerly Invitae), Labcorp
Classification: Pathogenic. Last evaluated: 2025-06-09. Review status: criteria provided, single submitter. Criteria: Invitae Variant Classification Sherloc (09022015). Collection method: clinical testing. Allele origin: germline.
Comment: This sequence change creates a premature translational stop signal (p.Val58Profs*32) in the SERPINF1 gene. It is expected to result in an absent or disrupted protein product. Loss-of-function variants in SERPINF1 are known to be pathogenic (PMID: 21353196, 21826736). This variant is present in population databases (no rsID available, gnomAD 0.0009%). This variant has not been reported in the literature in individuals affected with SERPINF1-related conditions. ClinVar contains an entry for this variant (Variation ID: 2971055). For these reasons, this variant has been classified as Pathogenic.

Literature cited by the submitters: PubMed 21353196; PubMed 21826736.